The following is an entry in ClinVar:

ClinVar aggregate classification (germline): Uncertain significance (1 of 4 stars; one submission).

Conditions:
Mucopolysaccharidosis, MPS-III-C (MPS3C). Also called: SANFILIPPO SYNDROME C; MPS III C; mucopolysaccharidosis type 3C; MUCOPOLYSACCHARIDOSIS, TYPE IIIC; MPS IIIC (Sanfilippo Syndrome Type C); Mucopolysaccharidosis type IIIC (Sanfilippo C). Identifiers: Orphanet 581, Orphanet 79271, MedGen C0086649, MONDO:0009657, OMIM 252930.
Retinitis pigmentosa 73 (RP73). Identifiers: Orphanet 791, MedGen C4225287, MONDO:0014687, OMIM 616544.

Allele frequency attached by ClinVar (database versions not stated): TOPMed below 0.00001.
gnomAD v4.1: 1 of 1,612,086 alleles (0.000062%); highest among the groups gnomAD compares: East Asian, 0.0022%; no homozygotes.

Submission:

Labcorp Genetics (formerly Invitae), Labcorp
Classification: Uncertain significance for Retinitis pigmentosa 73; Mucopolysaccharidosis, MPS-III-C. Last evaluated: 2024-10-17. Review status: criteria provided, single submitter. Criteria: Invitae Variant Classification Sherloc (09022015). Collection method: clinical testing. Allele origin: germline.
Comment: This sequence change replaces phenylalanine, which is neutral and non-polar, with leucine, which is neutral and non-polar, at codon 572 of the HGSNAT protein (p.Phe572Leu). This variant is present in population databases (no rsID available, gnomAD 0.006%). This variant has not been reported in the literature in individuals affected with HGSNAT-related conditions. ClinVar contains an entry for this variant (Variation ID: 2097005). Invitae Evidence Modeling of protein sequence and biophysical properties (such as structural, functional, and spatial information, amino acid conservation, physicochemical variation, residue mobility, and thermodynamic stability) has been performed for this missense variant. However, the output from this modeling did not meet the statistical confidence thresholds required to predict the impact of this variant on HGSNAT protein function. In summary, the available evidence is currently insufficient to determine the role of this variant in disease. Therefore, it has been classified as a Variant of Uncertain Significance.

NM_152419.3(HGSNAT):c.1716C>A (p.Phe572Leu)

Gene: HGSNAT (heparan-alpha-glucosaminide N-acetyltransferase; plus strand). Cytogenetic location: 8p11.21.
Variant type: single nucleotide variant.
Coding change: c.1716C>A on transcript NM_152419.3 (MANE Select); coding-DNA position 1716, C replaced by A.
Protein change: p.Phe572Leu; replaces phenylalanine 572 with leucine.
Molecular consequence: missense variant.
Genome position (GRCh38, 1-based): chr8:43,197,942, C>A. VCF-style: chr8-43197942-C-A. GRCh37 (hg19) VCF-style: chr8-43053085-C-A.
Other names: c.1803C>A, p.Phe601Leu (NM_001363227.2); c.1524C>A, p.Phe508Leu (NM_001363228.2); c.852C>A, p.Phe284Leu (NM_001363229.2); short protein forms F284L, F508L, F572L, F601L.
Identifiers: ClinVar variation 2097005 (VCV002097005.3), dbSNP rs1366430289, ClinGen allele CA371120819.